The following is an entry in ClinVar:

ClinVar aggregate classification (germline): Conflicting classifications of pathogenicity. Review status: criteria provided, conflicting classifications (1 of 4 stars). 5 submissions from 5 submitters: Likely pathogenic (2); Uncertain significance (3). Last evaluated 2026-07-24.

Conditions:
Spastic paraplegia. Identifiers: MedGen C0037772, HP:0001258.
Hereditary spastic paraplegia. Also called: Familial spastic paraparesis. Identifiers: Orphanet 685, MedGen C0037773, MONDO:0019064. Disease mechanism: loss of function.

Allele frequency attached by ClinVar (database versions not stated): gnomAD 0.00001; gnomAD exomes 0.00001; TOPMed 0.00001.
gnomAD v4.1: 12 of 1,613,860 alleles (0.00074%); highest among the groups gnomAD compares: Non-Finnish European, 0.001%; no homozygotes.

Submissions (5):

GeneDx
Classification: Likely pathogenic. Last evaluated: 2026-07-24. Review status: criteria provided, single submitter. Criteria: GeneDx Variant Classification Process June 2021. Collection method: clinical testing. Allele origin: germline.
Comment: Not observed at significant frequency in large population cohorts (gnomAD); In silico analysis supports that this missense variant has a deleterious effect on protein structure/function; This variant is associated with the following publications: (PMID: 24359114, 37573804)

Women's Health and Genetics/Laboratory Corporation of America, LabCorp
Classification: Uncertain significance. Last evaluated: 2026-04-28. Review status: criteria provided, single submitter. Criteria: LabCorp Variant Classification Summary - May 2015. Collection method: clinical testing. Allele origin: germline.
Comment: Variant summary: FA2H c.691T>C (p.Tyr231His) results in a conservative amino acid change located in the Fatty acid hydroxylase domain (IPR006694) of the encoded protein sequence. Algorithms developed to predict the effect of missense changes on protein structure and function are either unavailable or do not agree on the potential impact of this missense change. The variant allele was found at a frequency of 1.2e-05 in 251216 control chromosomes. c.691T>C has been reported in the literature in at least one individual affected with hereditary neurodegenerative disease (Efendic_2023, internal data). These data indicate that the variant may be associated with disease. To our knowledge, no experimental evidence demonstrating an impact on protein function has been reported. The following publication has been ascertained in the context of this evaluation (PMID: 37573804). ClinVar contains an entry for this variant (Variation ID: 241464). Based on the evidence outlined above, the variant was classified as VUS-possibly pathogenic.

Labcorp Genetics (formerly Invitae), Labcorp
Classification: Likely pathogenic for Spastic paraplegia. Last evaluated: 2025-10-12. Review status: criteria provided, single submitter. Criteria: Invitae Variant Classification Sherloc (09022015). Collection method: clinical testing. Allele origin: germline.
Comment: This sequence change replaces tyrosine, which is neutral and polar, with histidine, which is basic and polar, at codon 231 of the FA2H protein (p.Tyr231His). This variant is present in population databases (no rsID available, gnomAD 0.003%). This missense change has been observed in individuals with clinical features of hereditary spastic paraplegia and/or neurodegeneration (PMID: 37573804; internal data). ClinVar contains an entry for this variant (Variation ID: 241464). Invitae Evidence Modeling of protein sequence and biophysical properties (such as structural, functional, and spatial information, amino acid conservation, physicochemical variation, residue mobility, and thermodynamic stability) indicates that this missense variant is expected to disrupt FA2H protein function with a positive predictive value of 80%. In summary, the currently available evidence indicates that the variant is pathogenic, but additional data are needed to prove that conclusively. Therefore, this variant has been classified as Likely Pathogenic.

Blueprint Genetics
Classification: Uncertain significance. Last evaluated: 2024-09-02. Review status: criteria provided, single submitter. Criteria: ACMG Guidelines, 2015. Collection method: clinical testing. Allele origin: germline.

Genome Diagnostics Laboratory, The Hospital for Sick Children
Classification: Uncertain significance for Hereditary spastic paraplegia. Last evaluated: 2017-06-05. Review status: criteria provided, single submitter. Criteria: ACMG Guidelines, 2015. Collection method: clinical testing. Allele origin: germline. Affected: yes.

Literature cited by the submitters: PubMed 37573804 (cited by Women's Health and Genetics/Laboratory Corporation of America, LabCorp and Labcorp Genetics (formerly Invitae), Labcorp).

NM_024306.5(FA2H):c.691T>C (p.Tyr231His)

Gene: FA2H (fatty acid 2-hydroxylase; minus strand). Cytogenetic location: 16q23.1.
Variant type: single nucleotide variant.
Coding change: c.691T>C on transcript NM_024306.5 (MANE Select); coding-DNA position 691, T replaced by C.
Protein change: p.Tyr231His; replaces tyrosine 231 with histidine.
Molecular consequence: missense variant.
Genome position (GRCh38, 1-based): chr16:74,719,083, A>G on the plus strand (T>C on the coding strand, the complement: FA2H is on the minus strand). VCF-style: chr16-74719083-A-G. GRCh37 (hg19) VCF-style: chr16-74752981-A-G.
Other names: short protein forms Y231H.
Identifiers: ClinVar variation 241464 (VCV000241464.20), dbSNP rs878855081, ClinGen allele CA10583427.